The following is an entry in ClinVar:

ClinVar aggregate classification (germline): Uncertain significance (1 of 4 stars; one submission).

Conditions:
Hereditary cancer-predisposing syndrome. Also called: Tumor predisposition; Neoplastic Syndromes, Hereditary; Hereditary neoplastic syndrome; Hereditary Cancer Syndrome. Identifiers: Orphanet 140162, MedGen C0027672, MeSH D009386, MONDO:0015356.

Submission:

Ambry Genetics
Classification: Uncertain significance for Hereditary cancer-predisposing syndrome. Last evaluated: 2024-07-05. Review status: criteria provided, single submitter. Criteria: Ambry Variant Classification Scheme 2023. Collection method: clinical testing. Allele origin: germline.
Comment: The p.E32V variant (also known as c.95A>T), located in coding exon 1 of the TSC2 gene, results from an A to T substitution at nucleotide position 95. The glutamic acid at codon 32 is replaced by valine, an amino acid with dissimilar properties. This amino acid position is well conserved in available vertebrate species. In addition, the in silico prediction for this alteration is inconclusive. Based on the available evidence, the clinical significance of this variant remains unclear.

NM_000548.5(TSC2):c.95A>T (p.Glu32Val)

Gene: TSC2 (TSC complex subunit 2; plus strand). Cytogenetic location: 16p13.3.
Variant type: single nucleotide variant.
Coding change: c.95A>T on transcript NM_000548.5 (MANE Select); coding-DNA position 95, A replaced by T.
Protein change: p.Glu32Val; replaces glutamic acid 32 with valine.
Molecular consequence: missense variant. On other transcripts: 5 prime UTR variant (19), non-coding transcript variant (5), intron variant (6).
Genome position (GRCh38, 1-based): chr16:2,048,710, A>T. VCF-style: chr16-2048710-A-T. GRCh37 (hg19) VCF-style: chr16-2098711-A-T.
Other names: c.95A>T, p.Glu32Val (NM_001077183.3, NM_001114382.3, NM_001318827.2 and 13 more transcripts); c.-132A>T (NM_001318831.2, NM_001406682.1, NM_001406684.1 and 2 more transcripts); c.128A>T, p.Glu43Val (NM_001318832.2); c.-722A>T (NM_001406680.1, NM_001406683.1, NM_001406687.1); c.-351A>T (NM_001406681.1); c.-1337A>T (NM_001406689.1, NM_001406690.1, NM_001406691.1 and 2 more transcripts); c.-1643A>T (NM_001406693.1); c.-1218A>T (NM_001406694.1, NM_001406695.1); and 4 more; short protein forms E43V, E32V.
Identifiers: ClinVar variation 3462569 (VCV003462569.1).
Genomic context (GRCh38, chr16:2,048,710, plus strand): 5'-AGGAGAAGTTTAAGATTCTGTTGGGACTGGGAACACCGAGGCCAAATCCCAGGTCTGCAG[A>T]GGGTAAACAGACGGAGTTTATCATCACCGCGGAAATACTGAGAGTGAGTGAGCTACCTGT-3'
Protein context (NP_000539.2, residues 22-42): GTPRPNPRSA[Glu32Val]GKQTEFIITA